The following is an entry in ClinVar:

ClinVar aggregate classification (germline): Likely benign. Review status: criteria provided, multiple submitters, no conflicts (2 of 4 stars). 3 submissions from 3 submitters: Likely benign (2). 1 of the submissions does not count toward it. Last evaluated 2025-12-15.

Conditions:
Dyskeratosis congenita. Identifiers: Orphanet 1775, MedGen C0265965, MONDO:0015780.
DKC1-related disorder. Also called: DKC1-related condition. Identifiers: MedGen CN294808, MONDO:0100152.

Allele frequency attached by ClinVar (database versions not stated): gnomAD exomes 0.00006 and 0.00007; TOPMed 0.00006; gnomAD 0.00007 and 0.00008; ExAC 0.00009.

Submissions (3):

Labcorp Genetics (formerly Invitae), Labcorp
Classification: Likely benign for Dyskeratosis congenita. Last evaluated: 2025-12-15. Review status: criteria provided, single submitter. Criteria: Invitae Variant Classification Sherloc (09022015). Collection method: clinical testing. Allele origin: germline.

Blueprint Genetics
Classification: Likely benign. Last evaluated: 2023-08-22. Review status: criteria provided, single submitter. Criteria: ACMG Guidelines, 2015. Collection method: clinical testing. Allele origin: germline.

PreventionGenetics, part of Exact Sciences
Classification: Likely benign for DKC1-related condition. Last evaluated: 2023-11-30. Review status: no assertion criteria provided. Collection method: clinical testing. Allele origin: germline. Not counted in ClinVar's aggregate classification.
Comment: This variant is classified as likely benign based on ACMG/AMP sequence variant interpretation guidelines (Richards et al. 2015 PMID: 25741868, with internal and published modifications).

NM_001363.5(DKC1):c.85-4G>A

Gene: DKC1 (dyskerin pseudouridine synthase 1; plus strand). Cytogenetic location: Xq28.
Variant type: single nucleotide variant.
Coding change: c.85-4G>A on transcript NM_001363.5 (MANE Select); 4 bases into the intron before coding-DNA position 85, G replaced by A.
Molecular consequence: intron variant. On other transcripts: non-coding transcript variant (1).
Genome position (GRCh38, 1-based): chrX:154,765,440, G>A. VCF-style: chrX-154765440-G-A. GRCh37 (hg19) VCF-style: chrX-153993715-G-A.
Other names: c.85-4G>A (NM_001288747.2, NM_001142463.3).
Identifiers: ClinVar variation 698478 (VCV000698478.12), dbSNP rs782787521, ClinGen allele CA10566973.
Genomic context (GRCh38, chrX:154,765,440, plus strand): 5'-CAGTAATGGAATTGTTCAAAATCGGGTGGGAAGTTTAATAGGTTATATTTCTGTCCTGTC[G>A]AAGGAAATACAACACGCTGAAGAATTTCTTATCAAACCTGAATCCAAAGTTGCTAAGTTG-3'